The following is an entry in ClinVar:

ClinVar aggregate classification (germline): Uncertain significance. Review status: criteria provided, multiple submitters, no conflicts (2 of 4 stars). 3 submissions from 3 submitters: Uncertain significance (2). 1 of the submissions does not count toward it. Last evaluated 2024-10-21.

Conditions:
Usher syndrome type 1F (USH1F). Also called: USHER SYNDROME, TYPE IF. Identifiers: Orphanet 231169, Orphanet 886, MedGen C1865885, MONDO:0011186, OMIM 602083.

Allele frequency attached by ClinVar (database versions not stated): gnomAD 0.00001.
gnomAD v4.1: 7 of 1,579,580 alleles (0.00044%); highest among the groups gnomAD compares: Non-Finnish European, 0.0006%; no homozygotes.

Submissions (3):

Labcorp Genetics (formerly Invitae), Labcorp
Classification: Uncertain significance. Last evaluated: 2024-10-21. Review status: criteria provided, single submitter. Criteria: Invitae Variant Classification Sherloc (09022015). Collection method: clinical testing. Allele origin: germline.
Comment: This sequence change replaces proline, which is neutral and non-polar, with leucine, which is neutral and non-polar, at codon 1791 of the PCDH15 protein (p.Pro1791Leu). The frequency data for this variant in the population databases is considered unreliable, as metrics indicate poor data quality at this position in the gnomAD database. This variant has not been reported in the literature in individuals affected with PCDH15-related conditions. ClinVar contains an entry for this variant (Variation ID: 505142). Invitae Evidence Modeling of protein sequence and biophysical properties (such as structural, functional, and spatial information, amino acid conservation, physicochemical variation, residue mobility, and thermodynamic stability) indicates that this missense variant is not expected to disrupt PCDH15 protein function with a negative predictive value of 95%. In summary, the available evidence is currently insufficient to determine the role of this variant in disease. Therefore, it has been classified as a Variant of Uncertain Significance.

Laboratory for Molecular Medicine, Mass General Brigham Personalized Medicine
Classification: Uncertain significance. Last evaluated: 2016-06-28. Review status: criteria provided, single submitter. Criteria: LMM Criteria. Collection method: clinical testing. Allele origin: germline. Observed: 2 variant alleles.
Comment: The p.Pro1791Leu variant in PCDH15 has been previously reported in the heterozyg ous state in one individual with hearing loss, but a variant affecting the remai ning copy of the gene was not identified. It has not been identified in large po pulation studies. Computational prediction tools and conservation analysis sugge st that the p.Pro1791Leu variant may not impact the protein, though this informa tion is not predictive enough to rule out pathogenicity. In summary, the clinica l significance of the p.Pro1791Leu variant is uncertain.

Natera, Inc.
Classification: Uncertain significance for Usher syndrome type 1F. Last evaluated: 2021-02-09. Review status: no assertion criteria provided. Collection method: clinical testing. Allele origin: germline. Not counted in ClinVar's aggregate classification.

NM_033056.4(PCDH15):c.5372C>T (p.Pro1791Leu)

Gene: PCDH15 (protocadherin related 15; minus strand). Cytogenetic location: 10q21.1.
Variant type: single nucleotide variant.
Coding change: c.5372C>T on transcript NM_033056.4 (MANE Plus Clinical); coding-DNA position 5372, C replaced by T.
Protein change: p.Pro1791Leu; replaces proline 1791 with leucine.
Molecular consequence: missense variant. On other transcripts: intron variant (8).
Genome position (GRCh38, 1-based): chr10:53,822,354, G>A on the plus strand (C>T on the coding strand, the complement: PCDH15 is on the minus strand). VCF-style: chr10-53822354-G-A. GRCh37 (hg19) VCF-style: chr10-55582114-G-A.
Other names: c.5393C>T, p.Pro1798Leu (NM_001142763.2); c.5378C>T, p.Pro1793Leu (NM_001142764.2); c.5165C>T, p.Pro1722Leu (NM_001142765.2); c.5363C>T, p.Pro1788Leu (NM_001142766.2); c.5252C>T, p.Pro1751Leu (NM_001142767.2); c.5312C>T, p.Pro1771Leu (NM_001142768.2); c.5303C>T, p.Pro1768Leu (NM_001142773.2); c.5306C>T, p.Pro1769Leu (NM_001354404.2); and 7 more; short protein forms P1791L, P1771L, P1722L, P1751L, P1788L, P1798L, P1769L, P1793L.
Identifiers: ClinVar variation 505142 (VCV000505142.9), dbSNP rs1268531021, ClinGen allele CA376525074.